The following is an entry in ClinVar:

NM_001142800.2(EYS):c.2197G>C (p.Asp733His)

Gene: EYS (eyes shut homolog; minus strand). Cytogenetic location: 6q12.
Variant type: single nucleotide variant.
Coding change: c.2197G>C on transcript NM_001142800.2 (MANE Select); coding-DNA position 2197, G replaced by C.
Protein change: p.Asp733His; replaces aspartic acid 733 with histidine.
Molecular consequence: missense variant.
Genome position (GRCh38, 1-based): chr6:64,997,644, C>G on the plus strand (G>C on the coding strand, the complement: EYS is on the minus strand). VCF-style: chr6-64997644-C-G. GRCh37 (hg19) VCF-style: chr6-65707537-C-G.
Other names: c.2197G>C, p.Asp733His (NM_001292009.2); short protein forms D733H.
Identifiers: ClinVar variation 1478264 (VCV001478264.3), dbSNP rs904604158, ClinGen allele CA140390409.
Genomic context (GRCh38, chr6:64,997,644, plus strand): 5'-GATGCAGGTCTTTGCAGGTAGAATTGTGCTCACAGGCATTCAGGATGCAGTCATCAATGT[C>G]CTGTTCACATCTTATCCCAACATAGCCTGGATTGCATAAGCAGGAAAAGCCATCAACCAC-3'
Protein context (NP_001136272.1, residues 723-743): PGYVGIRCEQ[Asp733His]IDDCILNACE

ClinVar aggregate classification (germline): Uncertain significance (1 of 4 stars; one submission).

Allele frequency attached by ClinVar (database versions not stated): gnomAD exomes below 0.00001; TOPMed below 0.00001.
gnomAD v4.1: 3 of 1,551,196 alleles (0.00019%); highest among the groups gnomAD compares: Admixed American, 0.002%; no homozygotes.

Submission:

Labcorp Genetics (formerly Invitae), Labcorp
Classification: Uncertain significance. Last evaluated: 2022-08-23. Review status: criteria provided, single submitter. Criteria: Invitae Variant Classification Sherloc (09022015). Collection method: clinical testing. Allele origin: germline.
Comment: This sequence change replaces aspartic acid, which is acidic and polar, with histidine, which is basic and polar, at codon 733 of the EYS protein (p.Asp733His). This variant is not present in population databases (gnomAD no frequency). This variant has not been reported in the literature in individuals affected with EYS-related conditions. ClinVar contains an entry for this variant (Variation ID: 1478264). Algorithms developed to predict the effect of missense changes on protein structure and function output the following: SIFT: "Tolerated"; PolyPhen-2: "Possibly Damaging"; Align-GVGD: "Class C0". The histidine amino acid residue is found in multiple mammalian species, which suggests that this missense change does not adversely affect protein function. In summary, the available evidence is currently insufficient to determine the role of this variant in disease. Therefore, it has been classified as a Variant of Uncertain Significance.